The following is an entry in ClinVar:

NM_080680.3(COL11A2):c.2629-57G>A

Gene: COL11A2 (collagen type XI alpha 2 chain; minus strand). Cytogenetic location: 6p21.32.
Variant type: single nucleotide variant.
Coding change: c.2629-57G>A on transcript NM_080680.3 (MANE Select); 57 bases into the intron before coding-DNA position 2629, G replaced by A.
Molecular consequence: intron variant.
Genome position (GRCh38, 1-based): chr6:33,173,612, C>T on the plus strand (G>A on the coding strand, the complement: COL11A2 is on the minus strand). VCF-style: chr6-33173612-C-T. GRCh37 (hg19) VCF-style: chr6-33141389-C-T.
Other names: c.2308-57G>A (NM_080679.3); c.2371-57G>A (NM_080681.3).
Identifiers: ClinVar variation 674772 (VCV000674772.1), dbSNP rs970902, ClinGen allele CA16261459.
Genomic context (GRCh38, chr6:33,173,612, plus strand): 5'-GGCCCTAGAGACAGAGGTGGGGGGAGTCAGGAGAATGGGGGCAGGGGCTGAGTGGGGGAA[C>T]TCAGCTTCCTTCCTGGGGTGAGGAGGGAGCTGGCTCACCCAGGCTCCCTGGGGACCTCAG-3'

ClinVar aggregate classification (germline): Benign (1 of 4 stars; one submission).

Allele frequency attached by ClinVar (database versions not stated): gnomAD exomes 0.51005; gnomAD 0.58137 and 0.58559; TOPMed 0.60171; 1000 Genomes Project 0.65156.
gnomAD v4.1: 610,957 of 1,174,780 alleles (52%); highest among the groups gnomAD compares: East Asian, 83%; 170,451 homozygotes.

Submission:

GeneDx
Classification: Benign. Last evaluated: 2018-06-13. Review status: criteria provided, single submitter. Criteria: GeneDx Variant Classification (06012015). Collection method: clinical testing. Allele origin: germline. Affected: yes.
Comment: This variant is considered likely benign or benign based on one or more of the following criteria: it is a conservative change, it occurs at a poorly conserved position in the protein, it is predicted to be benign by multiple in silico algorithms, and/or has population frequency not consistent with disease.